The following is an entry in ClinVar:

ClinVar aggregate classification (germline): Uncertain significance (1 of 4 stars; one submission).

Allele frequency attached by ClinVar (database versions not stated): gnomAD exomes below 0.00001; TOPMed below 0.00001.
gnomAD v4.1: 1 of 1,614,148 alleles (0.000062%); highest among the groups gnomAD compares: Non-Finnish European, 0.000085%; no homozygotes.

Submission:

Labcorp Genetics (formerly Invitae), Labcorp
Classification: Uncertain significance. Last evaluated: 2025-07-23. Review status: criteria provided, single submitter. Criteria: Invitae Variant Classification Sherloc (09022015). Collection method: clinical testing. Allele origin: germline.
Comment: This sequence change replaces arginine, which is basic and polar, with lysine, which is basic and polar, at codon 263 of the ALPK3 protein (p.Arg263Lys). This variant also falls at the last nucleotide of exon 2, which is part of the consensus splice site for this exon. This variant is not present in population databases (gnomAD no frequency). This variant has not been reported in the literature in individuals affected with ALPK3-related conditions. ClinVar contains an entry for this variant (Variation ID: 2803283). An algorithm developed to predict the effect of missense changes on protein structure and function (PolyPhen-2) suggests that this variant is likely to be disruptive. Variants that disrupt the consensus splice site are a relatively common cause of aberrant splicing (PMID: 17576681, 9536098). Algorithms developed to predict the effect of sequence changes on RNA splicing suggest that this variant may disrupt the consensus splice site. In summary, the available evidence is currently insufficient to determine the role of this variant in disease. Therefore, it has been classified as a Variant of Uncertain Significance.

Literature cited by the submitters: PubMed 17576681; PubMed 9536098.

NM_020778.5(ALPK3):c.182G>A (p.Arg61Lys)

Gene: ALPK3 (alpha kinase 3; plus strand). Cytogenetic location: 15q25.3.
Variant type: single nucleotide variant.
Coding change: c.182G>A on transcript NM_020778.5 (MANE Select); coding-DNA position 182, G replaced by A.
Protein change: p.Arg61Lys; replaces arginine 61 with lysine.
Molecular consequence: missense variant.
Genome position (GRCh38, 1-based): chr15:84,823,368, G>A. VCF-style: chr15-84823368-G-A. GRCh37 (hg19) VCF-style: chr15-85366599-G-A.
Other names: short protein forms R61K.
Identifiers: ClinVar variation 2803283 (VCV002803283.3), dbSNP rs1290376226, ClinGen allele CA393370175.